The following is an entry in ClinVar:

ClinVar aggregate classification (germline): Uncertain significance. Review status: criteria provided, multiple submitters, no conflicts (2 of 4 stars). 6 submissions from 6 submitters: Uncertain significance (5). 1 of the submissions does not count toward it. Last evaluated 2025-02-08.

Conditions:
Alstrom syndrome (ALMS). Identifiers: Orphanet 64, MedGen C0268425, MONDO:0008763, OMIM 203800.
Cardiovascular phenotype. Identifiers: MedGen CN230736.

Allele frequency attached by ClinVar (database versions not stated): ExAC 0.00002; ESP Exome Variant Server 0.00008; gnomAD 0.00001; TOPMed 0.00002; gnomAD exomes 0.00001 and 0.00002.
gnomAD v4.1: 32 of 1,614,010 alleles (0.002%); highest among the groups gnomAD compares: Non-Finnish European, 0.0026%; no homozygotes.

Submissions (6):

Women's Health and Genetics/Laboratory Corporation of America, LabCorp
Classification: Uncertain significance. Last evaluated: 2025-02-08. Review status: criteria provided, single submitter. Criteria: LabCorp Variant Classification Summary - May 2015. Collection method: clinical testing. Allele origin: germline.

GeneDx
Classification: Uncertain significance. Last evaluated: 2024-09-03. Review status: criteria provided, single submitter. Criteria: GeneDx Variant Classification Process June 2021. Collection method: clinical testing. Allele origin: germline.
Comment: Not observed at significant frequency in large population cohorts (gnomAD); In silico analysis does not support a benign or deleterious effect of this variant on protein structure/function; Has not been previously published as pathogenic or benign to our knowledge

Ambry Genetics
Classification: Uncertain significance for Cardiovascular phenotype. Last evaluated: 2024-05-25. Review status: criteria provided, single submitter. Criteria: Ambry Variant Classification Scheme 2023. Collection method: clinical testing. Allele origin: germline.
Comment: The p.M2567T variant (also known as c.7700T>C), located in coding exon 10 of the ALMS1 gene, results from a T to C substitution at nucleotide position 7700. The methionine at codon 2567 is replaced by threonine, an amino acid with similar properties. This amino acid position is poorly conserved in available vertebrate species. In addition, this alteration is predicted to be tolerated by in silico analysis. Based on the available evidence, the clinical significance of this variant remains unclear.

Labcorp Genetics (formerly Invitae), Labcorp
Classification: Uncertain significance for Alstrom syndrome. Last evaluated: 2022-02-22. Review status: criteria provided, single submitter. Criteria: Invitae Variant Classification Sherloc (09022015). Collection method: clinical testing. Allele origin: germline.
Comment: This sequence change replaces methionine, which is neutral and non-polar, with threonine, which is neutral and polar, at codon 2567 of the ALMS1 protein (p.Met2567Thr). This variant is present in population databases (rs373385088, gnomAD 0.003%). This variant has not been reported in the literature in individuals affected with ALMS1-related conditions. ClinVar contains an entry for this variant (Variation ID: 552181). Experimental studies and prediction algorithms are not available or were not evaluated, and the functional significance of this variant is currently unknown. In summary, the available evidence is currently insufficient to determine the role of this variant in disease. Therefore, it has been classified as a Variant of Uncertain Significance.

Fulgent Genetics
Classification: Uncertain significance for Alstrom syndrome. Last evaluated: 2021-11-01. Review status: criteria provided, single submitter. Criteria: ACMG Guidelines, 2015. Collection method: clinical testing. Allele origin: unknown.

Counsyl
Classification: Uncertain significance for Alstrom syndrome. Last evaluated: 2017-05-25. Review status: no assertion criteria provided. Collection method: clinical testing. Allele origin: unknown. Not counted in ClinVar's aggregate classification.

NM_001378454.1(ALMS1):c.7697T>C (p.Met2566Thr)

Gene: ALMS1 (ALMS1 centrosome and basal body associated protein; plus strand). Cytogenetic location: 2p13.1.
Variant type: single nucleotide variant.
Coding change: c.7697T>C on transcript NM_001378454.1 (MANE Select); coding-DNA position 7697, T replaced by C.
Protein change: p.Met2566Thr; replaces methionine 2566 with threonine.
Molecular consequence: missense variant.
Genome position (GRCh38, 1-based): chr2:73,489,656, T>C. VCF-style: chr2-73489656-T-C. GRCh37 (hg19) VCF-style: chr2-73716783-T-C.
Other names: c.7700T>C, p.Met2567Thr (NM_015120.4); short protein forms M2567T, M2566T.
Identifiers: ClinVar variation 552181 (VCV000552181.8), dbSNP rs373385088, ClinGen allele CA1714324.